The following is an entry in ClinVar:

ClinVar aggregate classification (germline): Uncertain significance (1 of 4 stars; one submission).

Allele frequency attached by ClinVar (database versions not stated): gnomAD 0.00002.

Submission:

Labcorp Genetics (formerly Invitae), Labcorp
Classification: Uncertain significance. Last evaluated: 2024-07-20. Review status: criteria provided, single submitter. Criteria: Invitae Variant Classification Sherloc (09022015). Collection method: clinical testing. Allele origin: germline.
Comment: This sequence change replaces glutamic acid, which is acidic and polar, with lysine, which is basic and polar, at codon 43 of the RAX2 protein (p.Glu43Lys). The frequency data for this variant in the population databases is considered unreliable, as metrics indicate poor data quality at this position in the gnomAD database. This variant has not been reported in the literature in individuals affected with RAX2-related conditions. ClinVar contains an entry for this variant (Variation ID: 1484887). An algorithm developed to predict the effect of missense changes on protein structure and function (PolyPhen-2) suggests that this variant is likely to be disruptive. In summary, the available evidence is currently insufficient to determine the role of this variant in disease. Therefore, it has been classified as a Variant of Uncertain Significance.

NM_001319074.4(RAX2):c.127G>A (p.Glu43Lys)

Gene: RAX2 (retina and anterior neural fold homeobox 2; minus strand). Cytogenetic location: 19p13.3.
Variant type: single nucleotide variant.
Coding change: c.127G>A on transcript NM_001319074.4 (MANE Select); coding-DNA position 127, G replaced by A.
Protein change: p.Glu43Lys; replaces glutamic acid 43 with lysine.
Molecular consequence: missense variant.
Genome position (GRCh38, 1-based): chr19:3,771,616, C>T on the plus strand (G>A on the coding strand, the complement: RAX2 is on the minus strand). VCF-style: chr19-3771616-C-T. GRCh37 (hg19) VCF-style: chr19-3771614-C-T.
Other names: c.127G>A, p.Glu43Lys (NM_032753.4); short protein forms E43K.
Identifiers: ClinVar variation 1484887 (VCV001484887.6), dbSNP rs763112380, ClinGen allele CA403375694.